The following is an entry in ClinVar:

NM_201384.3(PLEC):c.5161G>A (p.Glu1721Lys)

Gene: PLEC (plectin; minus strand). Cytogenetic location: 8q24.3.
Variant type: single nucleotide variant.
Coding change: c.5161G>A on transcript NM_201384.3 (MANE Select); coding-DNA position 5161, G replaced by A.
Protein change: p.Glu1721Lys; replaces glutamic acid 1721 with lysine.
Molecular consequence: missense variant.
Genome position (GRCh38, 1-based): chr8:143,924,768, C>T on the plus strand (G>A on the coding strand, the complement: PLEC is on the minus strand). VCF-style: chr8-143924768-C-T. GRCh37 (hg19) VCF-style: chr8-144998936-C-T.
Other names: c.5242G>A, p.Glu1748Lys (NM_000445.5); c.5119G>A, p.Glu1707Lys (NM_201378.4); c.5095G>A, p.Glu1699Lys (NM_201379.3); c.5572G>A, p.Glu1858Lys (NM_201380.4); c.5065G>A, p.Glu1689Lys (NM_201381.3); c.5161G>A, p.Glu1721Lys (NM_201382.4); c.5173G>A, p.Glu1725Lys (NM_201383.3); short protein forms E1699K, E1748K, E1858K, E1721K, E1725K, E1707K, E1689K.
Identifiers: ClinVar variation 955971 (VCV000955971.11), dbSNP rs782556816, ClinGen allele CA4926409.

ClinVar aggregate classification (germline): Conflicting classifications of pathogenicity. Review status: criteria provided, conflicting classifications (1 of 4 stars). 3 submissions from 3 submitters: Uncertain significance (2); Likely benign (1). Last evaluated 2026-01-12.

Conditions:
Epidermolysis bullosa simplex 5C, with pyloric atresia (EBS5C). Also called: PLEC-Related Epidermolysis Bullosa with Pyloric Atresia; Epidermolysis bullosa simplex with pyloric atresia; PLEC1-Related Epidermolysis Bullosa with Pyloric Atresia. Identifiers: Orphanet 158684, MedGen C2677349, MONDO:0012807, OMIM 612138.
Epidermolysis bullosa simplex 5B, with muscular dystrophy (EBS5B). Also called: Epidermolysis bullosa simplex with muscular dystrophy; EPIDERMOLYSIS BULLOSA SIMPLEX AND LIMB-GIRDLE MUSCULAR DYSTROPHY. Identifiers: Orphanet 257, MedGen C2931072, MONDO:0009181, OMIM 226670.
Epidermolysis bullosa simplex, Ogna type (EBS5A). Also called: Pidermolysis bullosa simplex 5A, Ogna type; EPIDERMOLYSIS BULLOSA SIMPLEX 5A, OGNA TYPE. Identifiers: Orphanet 79401, MedGen C0432317, MONDO:0007555, OMIM 131950.
Autosomal recessive limb-girdle muscular dystrophy type 2Q (LGMDR17). Also called: MUSCULAR DYSTROPHY, LIMB-GIRDLE, AUTOSOMAL RECESSIVE 17. Identifiers: Orphanet 254361, MedGen C3150989, MONDO:0013390, OMIM 613723.
Epidermolysis bullosa simplex with nail dystrophy (EBS5D). Identifiers: MedGen C4225309, MONDO:0014661, OMIM 616487.
Inborn genetic diseases. Identifiers: MedGen C0950123, MeSH D030342.

Allele frequency attached by ClinVar (database versions not stated): gnomAD exomes 0.00006; gnomAD 0.00009 and 0.00011; TOPMed 0.00010; ExAC 0.00018.
gnomAD v4.1: 106 of 1,535,168 alleles (0.0069%); highest among the groups gnomAD compares: East Asian, 0.042%; no homozygotes.

Submissions (3):

Labcorp Genetics (formerly Invitae), Labcorp
Classification: Uncertain significance for Autosomal recessive limb-girdle muscular dystrophy type 2Q; Epidermolysis bullosa simplex, Ogna type; Epidermolysis bullosa simplex with nail dystrophy; Epidermolysis bullosa simplex 5C, with pyloric atresia; Epidermolysis bullosa simplex 5B, with muscular dystrophy. Last evaluated: 2026-01-12. Review status: criteria provided, single submitter. Criteria: Invitae Variant Classification Sherloc (09022015). Collection method: clinical testing. Allele origin: germline.
Comment: This sequence change replaces glutamic acid, which is acidic and polar, with lysine, which is basic and polar, at codon 1748 of the PLEC protein (p.Glu1748Lys). This variant is present in population databases (rs782556816, gnomAD 0.03%). This variant has not been reported in the literature in individuals affected with PLEC-related conditions. ClinVar contains an entry for this variant (Variation ID: 955971). Experimental studies and prediction algorithms are not available or were not evaluated, and the functional significance of this variant is currently unknown. In summary, the available evidence is currently insufficient to determine the role of this variant in disease. Therefore, it has been classified as a Variant of Uncertain Significance.

Ambry Genetics
Classification: Uncertain significance for Inborn genetic diseases. Last evaluated: 2025-10-15. Review status: criteria provided, single submitter. Criteria: Ambry Variant Classification Scheme 2023. Collection method: clinical testing. Allele origin: germline.

GeneDx
Classification: Likely benign. Last evaluated: 2020-11-12. Review status: criteria provided, single submitter. Criteria: GeneDx Variant Classification Process June 2021. Collection method: clinical testing. Allele origin: germline. Affected: yes.